The following is an entry in ClinVar:

ClinVar aggregate classification (germline): Uncertain significance. Review status: criteria provided, multiple submitters, no conflicts (2 of 4 stars). 4 submissions from 4 submitters: Uncertain significance (4). Last evaluated 2024-07-02.

Conditions:
Hereditary breast ovarian cancer syndrome. Also called: Hereditary breast and ovarian cancer syndrome; BRCA1- and BRCA2-Associated Hereditary Breast and Ovarian Cancer; Breast and ovarian cancer; Hereditary breast and/or ovarian cancer syndrome; Hereditary breast and ovarian cancer; Hereditary breast and ovarian cancer syndrome (HBOC). Identifiers: Orphanet 145, MedGen C0677776, MeSH D061325, MONDO:0003582. Disease mechanism: loss of function.
Hereditary cancer-predisposing syndrome. Also called: Neoplastic Syndromes, Hereditary; Tumor predisposition; Hereditary Cancer Syndrome; Hereditary neoplastic syndrome. Identifiers: Orphanet 140162, MedGen C0027672, MeSH D009386, MONDO:0015356.

Allele frequency attached by ClinVar (database versions not stated): gnomAD exomes below 0.00001.
gnomAD v4.1: 3 of 1,614,084 alleles (0.00019%); highest among the groups gnomAD compares: Non-Finnish European, 0.00025%; no homozygotes.

Submissions (4):

Labcorp Genetics (formerly Invitae), Labcorp
Classification: Uncertain significance for Hereditary breast ovarian cancer syndrome. Last evaluated: 2024-07-02. Review status: criteria provided, single submitter. Criteria: Invitae Variant Classification Sherloc (09022015). Collection method: clinical testing. Allele origin: germline.
Comment: This sequence change replaces aspartic acid, which is acidic and polar, with histidine, which is basic and polar, at codon 3197 of the BRCA2 protein (p.Asp3197His). This variant is not present in population databases (gnomAD no frequency). This variant has not been reported in the literature in individuals affected with BRCA2-related conditions. ClinVar contains an entry for this variant (Variation ID: 232888). Advanced modeling of protein sequence and biophysical properties (such as structural, functional, and spatial information, amino acid conservation, physicochemical variation, residue mobility, and thermodynamic stability) performed at Invitae indicates that this missense variant is not expected to disrupt BRCA2 protein function with a negative predictive value of 95%. In summary, the available evidence is currently insufficient to determine the role of this variant in disease. Therefore, it has been classified as a Variant of Uncertain Significance.

Ambry Genetics
Classification: Uncertain significance for Hereditary cancer-predisposing syndrome. Last evaluated: 2021-12-08. Review status: criteria provided, single submitter. Criteria: Ambry Variant Classification Scheme 2023. Collection method: clinical testing. Allele origin: germline.
Comment: The p.D3197H variant (also known as c.9589G>C), located in coding exon 25 of the BRCA2 gene, results from a G to C substitution at nucleotide position 9589. The aspartic acid at codon 3197 is replaced by histidine, an amino acid with similar properties. This amino acid position is not well conserved in available vertebrate species. In addition, this alteration is predicted to be tolerated by in silico analysis. Since supporting evidence is limited at this time, the clinical significance of this alteration remains unclear.

Color Diagnostics, LLC DBA Color Health
Classification: Uncertain significance for Hereditary cancer-predisposing syndrome. Last evaluated: 2021-02-04. Review status: criteria provided, single submitter. Criteria: ACMG Guidelines, 2015. Collection method: clinical testing. Allele origin: germline.
Comment: This missense variant replaces aspartic acid with histidine at codon 3197 of the BRCA2 protein. Computational prediction suggests that this variant may not impact protein structure and function (internally defined REVEL score threshold <= 0.5, PMID: 27666373). Splice site prediction tools suggest that this variant may not impact RNA splicing. To our knowledge, functional studies have not been reported for this variant. This variant has not been reported in individuals affected with hereditary cancer in the literature. This variant has not been identified in the general population by the Genome Aggregation Database (gnomAD). The available evidence is insufficient to determine the role of this variant in disease conclusively. Therefore, this variant is classified as a Variant of Uncertain Significance.

GeneDx
Classification: Uncertain significance. Last evaluated: 2016-02-25. Review status: criteria provided, single submitter. Criteria: GeneDx Variant Classification (06012015). Collection method: clinical testing. Allele origin: germline. Affected: yes.
Comment: This variant is denoted BRCA2 c.9589G>C at the cDNA level, p.Asp3197His (D3197H) at the protein level, and results in the change of an Aspartic Acid to a Histidine (GAC>CAC). Using alternate nomenclature, this variant would be defined as BRCA2 9817G>C. This variant has not, to our knowledge, been published in the literature as pathogenic or benign. BRCA2 Asp3197His was not observed in approximately 6,500 individuals of European and African American ancestry in the NHLBI Exome Sequencing Project, suggesting it is not a common benign variant in these populations. Since Aspartic Acid and Histidine differ in polarity, charge, size or other properties, this is considered a non-conservative amino acid substitution. BRCA2 Asp3197His occurs at a position that is not conserved and is not located in a known functional domain (Cole 2011). In silico analyses are inconsistent regarding the effect this variant may have on protein structure and function. Based on currently available evidence, it is unclear whether BRCA2 Asp3197His is a pathogenic or benign variant. We consider it to be a variant of uncertain significance.

NM_000059.4(BRCA2):c.9589G>C (p.Asp3197His)

Gene: BRCA2 (BRCA2 DNA repair associated; plus strand). Cytogenetic location: 13q13.1.
Variant type: single nucleotide variant.
Coding change: c.9589G>C on transcript NM_000059.4 (MANE Select); coding-DNA position 9589, G replaced by C.
Protein change: p.Asp3197His; replaces aspartic acid 3197 with histidine.
Molecular consequence: missense variant.
Genome position (GRCh38, 1-based): chr13:32,396,985, G>C. VCF-style: chr13-32396985-G-C. GRCh37 (hg19) VCF-style: chr13-32971122-G-C.
Other names: short protein forms D3197H.
Identifiers: ClinVar variation 232888 (VCV000232888.18), dbSNP rs876660053, ClinGen allele CA10577503.
Genomic context (GRCh38, chr13:32,396,985, plus strand): 5'-GAAAACAAGCTTATGCATATACTGCATGCAAATGATCCCAAGTGGTCCACCCCAACTAAA[G>C]ACTGTACTTCAGGGCCGTACACTGCTCAAATCATTCCTGGTACAGGAAACAAGCTTCTGG-3'
Protein context (NP_000050.3, residues 3187-3207): NDPKWSTPTK[Asp3197His]CTSGPYTAQI